The following is an entry in ClinVar:

NM_014141.6(CNTNAP2):c.1420A>G (p.Ile474Val)

Gene: CNTNAP2 (contactin associated protein 2; plus strand). Cytogenetic location: 7q35.
Variant type: single nucleotide variant.
Coding change: c.1420A>G on transcript NM_014141.6 (MANE Select); coding-DNA position 1420, A replaced by G.
Protein change: p.Ile474Val; replaces isoleucine 474 with valine.
Molecular consequence: missense variant.
Genome position (GRCh38, 1-based): chr7:147,300,212, A>G. VCF-style: chr7-147300212-A-G. GRCh37 (hg19) VCF-style: chr7-146997304-A-G.
Other names: short protein forms I474V.
Identifiers: ClinVar variation 536316 (VCV000536316.6), dbSNP rs765970596, ClinGen allele CA4546057.
Genomic context (GRCh38, chr7:147,300,212, plus strand): 5'-AATGATGGACAGTGGCACGAGGTTCGCTTCCTAGCCAAGGAAAATTTTGCTATTCTCACC[A>G]TCGATGGAGATGAAGCATCAGCAGTTCGAACTAATAGTCCCCTTCAAGTTAAAACTGGCG-3'
Protein context (NP_054860.1, residues 464-484): LAKENFAILT[Ile474Val]DGDEASAVRT

ClinVar aggregate classification (germline): Uncertain significance (1 of 4 stars; one submission).

Conditions:
Cortical dysplasia-focal epilepsy syndrome (PTHSL1). Also called: Pitt-Hopkins-like syndrome 1. Identifiers: Orphanet 163681, Orphanet 221150, MedGen C2750246, MONDO:0012400, OMIM 610042.

Allele frequency attached by ClinVar (database versions not stated): TOPMed below 0.00001; ExAC 0.00001; gnomAD exomes 0.00001.

Submission:

Labcorp Genetics (formerly Invitae), Labcorp
Classification: Uncertain significance for Cortical dysplasia-focal epilepsy syndrome. Last evaluated: 2022-07-12. Review status: criteria provided, single submitter. Criteria: Invitae Variant Classification Sherloc (09022015). Collection method: clinical testing. Allele origin: germline.
Comment: This sequence change replaces isoleucine, which is neutral and non-polar, with valine, which is neutral and non-polar, at codon 474 of the CNTNAP2 protein (p.Ile474Val). This variant is present in population databases (rs765970596, gnomAD 0.007%). This variant has not been reported in the literature in individuals affected with CNTNAP2-related conditions. ClinVar contains an entry for this variant (Variation ID: 536316). Algorithms developed to predict the effect of missense changes on protein structure and function output the following: SIFT: "Tolerated"; PolyPhen-2: "Benign"; Align-GVGD: "Class C0". The valine amino acid residue is found in multiple mammalian species, which suggests that this missense change does not adversely affect protein function. In summary, the available evidence is currently insufficient to determine the role of this variant in disease. Therefore, it has been classified as a Variant of Uncertain Significance.